The following is an entry in ClinVar:

ClinVar aggregate classification (germline): Uncertain significance. Review status: criteria provided, multiple submitters, no conflicts (2 of 4 stars). 2 submissions from 2 submitters: Uncertain significance (2). Last evaluated 2025-04-25.

Allele frequency attached by ClinVar (database versions not stated): gnomAD exomes below 0.00001; gnomAD 0.00001; TOPMed 0.00002.
gnomAD v4.1: 4 of 1,613,842 alleles (0.00025%); highest among the groups gnomAD compares: Non-Finnish European, 0.00034%; no homozygotes.

Submissions (2):

Ambry Genetics
Classification: Uncertain significance. Last evaluated: 2025-04-25. Review status: criteria provided, single submitter. Criteria: Ambry Variant Classification Scheme 2023. Collection method: clinical testing. Allele origin: germline.

Labcorp Genetics (formerly Invitae), Labcorp
Classification: Uncertain significance. Last evaluated: 2022-04-19. Review status: criteria provided, single submitter. Criteria: Invitae Variant Classification Sherloc (09022015). Collection method: clinical testing. Allele origin: germline.
Comment: This variant is not present in population databases (gnomAD no frequency). This variant has not been reported in the literature in individuals affected with RINT1-related conditions. ClinVar contains an entry for this variant (Variation ID: 963456). Algorithms developed to predict the effect of missense changes on protein structure and function are either unavailable or do not agree on the potential impact of this missense change (SIFT: "Deleterious"; PolyPhen-2: "Probably Damaging"; Align-GVGD: "Class C0"). In summary, the available evidence is currently insufficient to determine the role of this variant in disease. Therefore, it has been classified as a Variant of Uncertain Significance. This sequence change replaces leucine, which is neutral and non-polar, with valine, which is neutral and non-polar, at codon 379 of the RINT1 protein (p.Leu379Val).

NM_021930.6(RINT1):c.1135C>G (p.Leu379Val)

Gene: RINT1 (RAD50 interactor 1; plus strand). Cytogenetic location: 7q22.3.
Variant type: single nucleotide variant.
Coding change: c.1135C>G on transcript NM_021930.6 (MANE Select); coding-DNA position 1135, C replaced by G.
Protein change: p.Leu379Val; replaces leucine 379 with valine.
Molecular consequence: missense variant. On other transcripts: non-coding transcript variant (1).
Genome position (GRCh38, 1-based): chr7:105,550,288, C>G. VCF-style: chr7-105550288-C-G. GRCh37 (hg19) VCF-style: chr7-105190735-C-G.
Other names: c.901C>G, p.Leu301Val (NM_001346599.2); c.112C>G, p.Leu38Val (NM_001346600.2, NM_001346603.2); c.211C>G, p.Leu71Val (NM_001346601.2); short protein forms L379V, L38V, L301V, L71V.
Identifiers: ClinVar variation 963456 (VCV000963456.14), dbSNP rs1423907177, ClinGen allele CA368808838.
Genomic context (GRCh38, chr7:105,550,288, plus strand): 5'-ATTTACATACCTCATGTTTGTGTATTTTTTTAGCTTGAATTTTCTCGGGGCCTTATGATG[C>G]TGGTTCTTGAGAAGTTAGCCACTGATATTCCTTGTCTGCTATATGATGACAATCTCTTCT-3'
Protein context (NP_068749.3, residues 369-389): RLEFSRGLMM[Leu379Val]VLEKLATDIP